The following is an entry in ClinVar:

ClinVar aggregate classification (germline): Uncertain significance (1 of 4 stars; one submission).

Conditions:
Immunodeficiency. Identifiers: MedGen C0021051, MONDO:0021094, HP:0002721.

Submission:

Labcorp Genetics (formerly Invitae), Labcorp
Classification: Uncertain significance for Immunodeficiency. Last evaluated: 2020-07-04. Review status: criteria provided, single submitter. Criteria: Invitae Variant Classification Sherloc (09022015). Collection method: clinical testing. Allele origin: germline.
Comment: In summary, the available evidence is currently insufficient to determine the role of this variant in disease. Therefore, it has been classified as a Variant of Uncertain Significance. Algorithms developed to predict the effect of missense changes on protein structure and function (SIFT, PolyPhen-2, Align-GVGD) all suggest that this variant is likely to be tolerated, but these predictions have not been confirmed by published functional studies and their clinical significance is uncertain. This variant has not been reported in the literature in individuals with NFAT5-related conditions. This variant is not present in population databases (ExAC no frequency). This sequence change replaces glycine with serine at codon 1052 of the NFAT5 protein (p.Gly1052Ser). The glycine residue is moderately conserved and there is a small physicochemical difference between glycine and serine.

NM_138713.4(NFAT5):c.3436G>A (p.Gly1146Ser)

Gene: NFAT5 (nuclear factor of activated T cells 5; plus strand). Cytogenetic location: 16q22.1.
Variant type: single nucleotide variant.
Coding change: c.3436G>A on transcript NM_138713.4 (MANE Select); coding-DNA position 3436, G replaced by A.
Protein change: p.Gly1146Ser; replaces glycine 1146 with serine.
Molecular consequence: missense variant.
Genome position (GRCh38, 1-based): chr16:69,693,261, G>A. VCF-style: chr16-69693261-G-A. GRCh37 (hg19) VCF-style: chr16-69727164-G-A.
Other names: c.3433G>A, p.Gly1145Ser (NM_001113178.3); c.2761G>A, p.Gly921Ser (NM_001367709.1); c.3382G>A, p.Gly1128Ser (NM_006599.4); c.3154G>A, p.Gly1052Ser (NM_138714.4, NM_173214.3, NM_173215.3); short protein forms G1052S, G1128S, G1145S, G1146S, G921S.
Identifiers: ClinVar variation 1056719 (VCV001056719.9), dbSNP rs2151721835, ClinGen allele CA396513004.